The following is an entry in ClinVar:

NM_001374828.1(ARID1B):c.2205A>T (p.Glu735Asp)

Gene: ARID1B (AT-rich interaction domain 1B; plus strand). Cytogenetic location: 6q25.3.
Variant type: single nucleotide variant.
Coding change: c.2205A>T on transcript NM_001374828.1 (MANE Select); coding-DNA position 2205, A replaced by T.
Protein change: p.Glu735Asp; replaces glutamic acid 735 with aspartic acid.
Molecular consequence: missense variant.
Genome position (GRCh38, 1-based): chr6:156,935,534, A>T. VCF-style: chr6-156935534-A-T. GRCh37 (hg19) VCF-style: chr6-157256668-A-T.
Other names: c.1995A>T, p.Glu665Asp (NM_020732.3); c.2244A>T, p.Glu748Asp (NM_001371656.1, NM_001374820.1); c.2205A>T, p.Glu735Asp (NM_017519.3); short protein forms E665D, E735D, E748D.
Identifiers: ClinVar variation 210273 (VCV000210273.25), dbSNP rs139125255, ClinGen allele CA205671.
Genomic context (GRCh38, chr6:156,935,534, plus strand): 5'-TCAGGAAGGCTATGGAACTAGATCTCAACCTCCTCTGGCCCCCGGAAAACCTAACCATGA[A>T]GACTTGAACTTAATACAGCAAGAAAGACCATCAAGTTTACCAGTAAGACATTATTGTGCT-3'
Protein context (NP_001361757.1, residues 725-745): PPLAPGKPNH[Glu735Asp]DLNLIQQERP

ClinVar aggregate classification (germline): Conflicting classifications of pathogenicity. Review status: criteria provided, conflicting classifications (1 of 4 stars). 9 submissions from 9 submitters: Uncertain significance (2); Likely benign (7). Last evaluated 2026-07-17.

Conditions:
ARID1B-Related Disorder. Identifiers: MedGen CN381337.
Inborn genetic diseases. Identifiers: MedGen C0950123, MeSH D030342.
Coffin-Siris syndrome 1 (CSS1). Also called: ARID1B-Related Coffin-Siris Syndrome; Mental retardation, autosomal dominant 12. Identifiers: Orphanet 1465, MedGen C3281201, MONDO:0007617, OMIM 135900. Disease mechanism: gain of function.

Allele frequency attached by ClinVar (database versions not stated): TOPMed 0.00023; gnomAD 0.00025 and 0.00022; ESP Exome Variant Server 0.00038; 1000 Genomes Project 0.00040; 1000 Genomes Project 30x 0.00047; gnomAD exomes 0.00018; ExAC 0.00021.
gnomAD v4.1: 355 of 1,613,946 alleles (0.022%); highest among the groups gnomAD compares: Middle Eastern, 0.15%; 2 homozygotes.

Submissions (9):

PreventionGenetics, part of Exact Sciences
Classification: Likely benign for ARID1B-related condition. Last evaluated: 2026-07-17. Review status: criteria provided, single submitter. Criteria: ACMG Guidelines, 2015. Collection method: clinical testing. Allele origin: germline.
Comment: This variant is classified as likely benign based on ACMG/AMP sequence variant interpretation guidelines (Richards et al. 2015 PMID: 25741868, with internal and published modifications).

Labcorp Genetics (formerly Invitae), Labcorp
Classification: Likely benign. Last evaluated: 2026-01-19. Review status: criteria provided, single submitter. Criteria: Invitae Variant Classification Sherloc (09022015). Collection method: clinical testing. Allele origin: germline.

CeGaT Center for Human Genetics Tuebingen
Classification: Likely benign. Last evaluated: 2026-01-01. Review status: criteria provided, single submitter. Criteria: CeGaT Center For Human Genetics Tuebingen Variant Classification Criteria Version 2. Collection method: clinical testing. Allele origin: germline. Affected: yes. Observed: 1 variant allele.
Comment: ARID1B: BS2

Blueprint Genetics
Classification: Likely benign. Last evaluated: 2024-11-12. Review status: criteria provided, single submitter. Criteria: ACMG Guidelines, 2015. Collection method: clinical testing. Allele origin: germline.

Genome-Nilou Lab
Classification: Likely benign for Coffin-Siris syndrome 1. Last evaluated: 2021-07-15. Review status: criteria provided, single submitter. Criteria: ACMG Guidelines, 2015. Collection method: clinical testing. Allele origin: germline. Affected: no.

GeneDx
Classification: Likely benign. Last evaluated: 2020-12-03. Review status: criteria provided, single submitter. Criteria: GeneDx Variant Classification Process June 2021. Collection method: clinical testing. Allele origin: germline. Affected: yes.

Dubai Health Genomic Medicine Center, Dubai Health
Classification: Likely benign for Coffin-Siris syndrome 1. Last evaluated: 2020-03-19. Review status: criteria provided, single submitter. Criteria: ACMG Guidelines, 2015. Collection method: clinical testing. Allele origin: germline. Affected: yes.

Ambry Genetics
Classification: Uncertain significance for Inborn genetic diseases. Last evaluated: 2018-04-19. Review status: criteria provided, single submitter. Criteria: Ambry Variant Classification Scheme 2023. Collection method: clinical testing. Allele origin: germline.
Comment: The p.E665D variant (also known as c.1995A>T), located in coding exon 5 of the ARID1B gene, results from an A to T substitution at nucleotide position 1995. The glutamic acid at codon 665 is replaced by aspartic acid, an amino acid with highly similar properties. This amino acid position is highly conserved in available vertebrate species. In addition, this alteration is predicted to be tolerated by in silico analysis. Since supporting evidence is limited at this time, the clinical significance of this alteration remains unclear.

Genetic Services Laboratory, University of Chicago
Classification: Uncertain significance. Last evaluated: 2014-07-07. Review status: criteria provided, single submitter. Criteria: ACMG Guidelines, 2015. Collection method: clinical testing. Allele origin: germline.